The following is an entry in ClinVar:

ClinVar aggregate classification (germline): Uncertain significance. Review status: criteria provided, multiple submitters, no conflicts (2 of 4 stars). 2 submissions from 2 submitters: Uncertain significance (2). Last evaluated 2025-08-13.

Conditions:
POLG-related disorder. Also called: POLG-Related Spectrum Disorders; POLG-related condition; POLG-Related Disorders. Identifiers: MedGen C4763519.
Progressive sclerosing poliodystrophy (MTDPS4A). Also called: Mitochondrial DNA depletion syndrome 4A (Alpers type); ALPERS PROGRESSIVE INFANTILE POLIODYSTROPHY; NEURONAL DEGENERATION OF CHILDHOOD WITH LIVER DISEASE, PROGRESSIVE; Mitochondrial DNA Depletion Syndrome 4A; Alpers-Huttenlocher Syndrome (AHS); Alpers Syndrome. Identifiers: Orphanet 726, MedGen C0205710, MONDO:0008758, OMIM 203700.

gnomAD v4.1: 7 of 1,610,460 alleles (0.00043%); highest among the groups gnomAD compares: Non-Finnish European, 0.00034%; no homozygotes.

Submissions (2):

GeneDx
Classification: Uncertain significance. Last evaluated: 2025-08-13. Review status: criteria provided, single submitter. Criteria: GeneDx Variant Classification Process June 2021. Collection method: clinical testing. Allele origin: germline. Affected: yes.
Comment: Not observed at significant frequency in large population cohorts (gnomAD); In silico analysis supports a deleterious effect on splicing; In silico analysis suggests that this missense variant does not alter protein structure/function; Has not been previously published as pathogenic or benign to our knowledge

Labcorp Genetics (formerly Invitae), Labcorp
Classification: Uncertain significance for Progressive sclerosing poliodystrophy. Last evaluated: 2025-06-20. Review status: criteria provided, single submitter. Criteria: Invitae Variant Classification Sherloc (09022015). Collection method: clinical testing. Allele origin: germline.
Comment: This sequence change replaces glycine, which is neutral and non-polar, with cysteine, which is neutral and slightly polar, at codon 723 of the POLG protein (p.Gly723Cys). This variant is present in population databases (no rsID available, gnomAD 0.004%). This variant has not been reported in the literature in individuals affected with POLG-related conditions. ClinVar contains an entry for this variant (Variation ID: 1463373). Invitae Evidence Modeling of protein sequence and biophysical properties (such as structural, functional, and spatial information, amino acid conservation, physicochemical variation, residue mobility, and thermodynamic stability) indicates that this missense variant is not expected to disrupt POLG protein function with a negative predictive value of 95%. In summary, the available evidence is currently insufficient to determine the role of this variant in disease. Therefore, it has been classified as a Variant of Uncertain Significance.

NM_002693.3(POLG):c.2167G>T (p.Gly723Cys)

Gene: POLG (DNA polymerase gamma, catalytic subunit; minus strand). Cytogenetic location: 15q26.1.
Variant type: single nucleotide variant.
Coding change: c.2167G>T on transcript NM_002693.3 (MANE Select); coding-DNA position 2167, G replaced by T.
Protein change: p.Gly723Cys; replaces glycine 723 with cysteine.
Molecular consequence: missense variant.
Genome position (GRCh38, 1-based): chr15:89,323,502, C>A on the plus strand (G>T on the coding strand, the complement: POLG is on the minus strand). VCF-style: chr15-89323502-C-A. GRCh37 (hg19) VCF-style: chr15-89866733-C-A.
Other names: c.2167G>T (NM_002693.2); c.2167G>T, p.Gly723Cys (NM_001126131.2); short protein forms G723C.
Identifiers: ClinVar variation 1463373 (VCV001463373.8), dbSNP rs762070650, ClinGen allele CA393756927.
Genomic context (GRCh38, chr15:89,323,502, plus strand): 5'-CCACGTCGTTGTAAGGTCCATTGCCATGGTGATAGCTGGGCTGGGTGTCCTTGGGGCCAC[C>A]ACGGGCAGTCTGTGAGGGCCACACACCTATATCAGGCCCTGCTCCAGCACCTGCATTCAG-3'
Protein context (NP_002684.1, residues 713-733): PGQPLALTAR[Gly723Cys]GPKDTQPSYH